The following is an entry in ClinVar:

NM_058216.3(RAD51C):c.813C>T (p.Ser271=)

Gene: RAD51C (RAD51 paralog C; plus strand). Cytogenetic location: 17q22.
Variant type: single nucleotide variant.
Coding change: c.813C>T on transcript NM_058216.3 (MANE Select); coding-DNA position 813, C replaced by T.
Protein change: p.Ser271=; no amino-acid change (serine 271 retained).
Molecular consequence: synonymous variant. On other transcripts: non-coding transcript variant (1).
Genome position (GRCh38, 1-based): chr17:58,709,966, C>T. VCF-style: chr17-58709966-C-T. GRCh37 (hg19) VCF-style: chr17-56787327-C-T.
Identifiers: ClinVar variation 482161 (VCV000482161.20), dbSNP rs376853755, ClinGen allele CA8677331.

ClinVar aggregate classification (germline): Benign/Likely benign. Review status: criteria provided, multiple submitters, no conflicts (2 of 4 stars). 6 submissions from 6 submitters: Benign (1); Likely benign (4). 1 of the submissions does not count toward it. Last evaluated 2025-08-14.

Conditions:
RAD51C-related disorder. Also called: RAD51C-related condition; RAD51C-related disorders.
Hereditary cancer-predisposing syndrome. Also called: Hereditary neoplastic syndrome; Neoplastic Syndromes, Hereditary; Tumor predisposition; Hereditary Cancer Syndrome. Identifiers: Orphanet 140162, MedGen C0027672, MeSH D009386, MONDO:0015356.
Fanconi anemia complementation group O. Also called: RAD51C-Related Fanconi Anemia. Identifiers: Orphanet 84, MedGen C3150653, MONDO:0013248, OMIM 613390.
Breast-ovarian cancer, familial, susceptibility to, 3. Also called: RAD51C-Related Breast/Ovarian Cancer. Identifiers: Orphanet 145, MedGen C3150659, MONDO:0013253, OMIM 613399.

Allele frequency attached by ClinVar (database versions not stated): gnomAD exomes below 0.00001 and 0.00002; ExAC 0.00002; gnomAD 0.00006 and 0.00005; ESP Exome Variant Server 0.00008; TOPMed 0.00003.
gnomAD v4.1: 9 of 1,612,926 alleles (0.00056%); highest among the groups gnomAD compares: African/African-American, 0.012%; no homozygotes.

Submissions (6):

Labcorp Genetics (formerly Invitae), Labcorp
Classification: Likely benign for Fanconi anemia complementation group O. Last evaluated: 2025-08-14. Review status: criteria provided, single submitter. Criteria: Invitae Variant Classification Sherloc (09022015). Collection method: clinical testing. Allele origin: germline.

Myriad Genetics, Inc.
Classification: Benign for Breast-ovarian cancer, familial, susceptibility to, 3. Last evaluated: 2025-02-19. Review status: criteria provided, single submitter. Criteria: Myriad Autosomal Dominant, Autosomal Recessive and X-Linked Classification Criteria (2023). Collection method: clinical testing. Allele origin: unknown.
Comment: This variant is considered benign. This variant is a silent/synonymous amino acid change and it is not expected to impact splicing.

Color Diagnostics, LLC DBA Color Health
Classification: Likely benign for Hereditary cancer-predisposing syndrome. Last evaluated: 2024-08-05. Review status: criteria provided, single submitter. Criteria: ACMG Guidelines, 2015. Collection method: clinical testing. Allele origin: germline.

GeneDx
Classification: Likely benign. Last evaluated: 2017-10-27. Review status: criteria provided, single submitter. Criteria: GeneDx Variant Classification (06012015). Collection method: clinical testing. Allele origin: germline. Affected: yes.
Comment: This variant is considered likely benign or benign based on one or more of the following criteria: it is a conservative change, it occurs at a poorly conserved position in the protein, it is predicted to be benign by multiple in silico algorithms, and/or has population frequency not consistent with disease.

Ambry Genetics
Classification: Likely benign for Hereditary cancer-predisposing syndrome. Last evaluated: 2015-12-16. Review status: criteria provided, single submitter. Criteria: Ambry Variant Classification Scheme 2023. Collection method: clinical testing. Allele origin: germline.

PreventionGenetics, part of Exact Sciences
Classification: Likely benign for RAD51C-related condition. Last evaluated: 2022-03-05. Review status: no assertion criteria provided. Collection method: clinical testing. Allele origin: germline. Not counted in ClinVar's aggregate classification.
Comment: This variant is classified as likely benign based on ACMG/AMP sequence variant interpretation guidelines (Richards et al. 2015 PMID: 25741868, with internal and published modifications).